The following is an entry in ClinVar:

NM_004738.5(VAPB):c.709A>G (p.Ile237Val)

Gene: VAPB (VAMP associated protein B and C; plus strand). Cytogenetic location: 20q13.32.
Variant type: single nucleotide variant.
Coding change: c.709A>G on transcript NM_004738.5 (MANE Select); coding-DNA position 709, A replaced by G.
Protein change: p.Ile237Val; replaces isoleucine 237 with valine.
Molecular consequence: missense variant. On other transcripts: 3 prime UTR variant (1), non-coding transcript variant (1).
Genome position (GRCh38, 1-based): chr20:58,444,212, A>G. VCF-style: chr20-58444212-A-G. GRCh37 (hg19) VCF-style: chr20-57019268-A-G.
Other names: c.*47A>G (NM_001195677.2); short protein forms I237V.
Identifiers: ClinVar variation 534267 (VCV000534267.9), dbSNP rs1555816248, ClinGen allele CA409440375.
Genomic context (GRCh38, chr20:58,444,212, plus strand): 5'-GAAGAAGGCCTTAGCACCCGGCTCTTGGCTCTGGTGGTTTTGTTCTTTATCGTTGGTGTA[A>G]TTATTGGGAAGATTGCCTTGTAGAGGTAGCATGCACAGGATGGTAAATTGGATTGGTGGA-3'
Protein context (NP_004729.1, residues 227-243): LVVLFFIVGV[Ile237Val]IGKIAL

ClinVar aggregate classification (germline): Uncertain significance (1 of 4 stars; one submission).

Conditions:
Amyotrophic lateral sclerosis type 8 (ALS8). Identifiers: Orphanet 803, MedGen C1837728, MONDO:0012077, OMIM 608627.
Adult-onset proximal spinal muscular atrophy, autosomal dominant. Also called: FINKEL LATE-ADULT TYPE SMA; Spinal muscular atrophy, late-onset, finkel type. Identifiers: Orphanet 209335, MedGen C1854058, MONDO:0008453, OMIM 182980.

Allele frequency attached by ClinVar (database versions not stated): gnomAD exomes below 0.00001.
gnomAD v4.1: 1 of 1,614,192 alleles (0.000062%); highest among the groups gnomAD compares: Non-Finnish European, 0.000085%; no homozygotes.

Submission:

Labcorp Genetics (formerly Invitae), Labcorp
Classification: Uncertain significance for Adult-onset proximal spinal muscular atrophy, autosomal dominant; Amyotrophic lateral sclerosis type 8. Last evaluated: 2021-10-06. Review status: criteria provided, single submitter. Criteria: Invitae Variant Classification Sherloc (09022015). Collection method: clinical testing. Allele origin: germline.
Comment: In summary, the available evidence is currently insufficient to determine the role of this variant in disease. Therefore, it has been classified as a Variant of Uncertain Significance. Algorithms developed to predict the effect of sequence changes on RNA splicing suggest that this variant may create or strengthen a splice site. Algorithms developed to predict the effect of missense changes on protein structure and function are either unavailable or do not agree on the potential impact of this missense change (SIFT: "Not Available"; PolyPhen-2: "Benign"; Align-GVGD: "Not Available"). ClinVar contains an entry for this variant (Variation ID: 534267). This variant has not been reported in the literature in individuals affected with VAPB-related conditions. This variant is not present in population databases (ExAC no frequency). This sequence change replaces isoleucine with valine at codon 237 of the VAPB protein (p.Ile237Val). The isoleucine residue is moderately conserved and there is a small physicochemical difference between isoleucine and valine.